The following is an entry in ClinVar:

NM_001999.4(FBN2):c.121C>G (p.Gln41Glu)

Gene: FBN2 (fibrillin 2; minus strand). Cytogenetic location: 5q23.3.
Variant type: single nucleotide variant.
Coding change: c.121C>G on transcript NM_001999.4 (MANE Select); coding-DNA position 121, C replaced by G.
Protein change: p.Gln41Glu; replaces glutamine 41 with glutamic acid.
Molecular consequence: missense variant.
Genome position (GRCh38, 1-based): chr5:128,537,483, G>C on the plus strand (C>G on the coding strand, the complement: FBN2 is on the minus strand). VCF-style: chr5-128537483-G-C. GRCh37 (hg19) VCF-style: chr5-127873176-G-C.
Other names: short protein forms Q41E.
Identifiers: ClinVar variation 4871242 (VCV004871242.1).

ClinVar aggregate classification (germline): Uncertain significance (1 of 4 stars; one submission).

Conditions:
Familial thoracic aortic aneurysm and aortic dissection (TAAD). Also called: Thoracic aortic aneurysms and dissections. Identifiers: Orphanet 91387, MedGen C4707243, MONDO:0019625.

Submission:

Ambry Genetics
Classification: Uncertain significance for Familial thoracic aortic aneurysm and aortic dissection. Last evaluated: 2026-05-14. Review status: criteria provided, single submitter. Criteria: Ambry Variant Classification Scheme 2023. Collection method: clinical testing. Allele origin: germline.
Comment: The p.Q41E variant (also known as c.121C>G), located in coding exon 1 of the FBN2 gene, results from a C to G substitution at nucleotide position 121. The glutamine at codon 41 is replaced by glutamic acid, an amino acid with highly similar properties. This amino acid position is conserved. In addition, this alteration is predicted to be tolerated by in silico analysis. Based on the available evidence, the clinical significance of this variant remains unclear.